The following is an entry in ClinVar:

ClinVar aggregate classification (germline): Benign/Likely benign. Review status: criteria provided, multiple submitters, no conflicts (2 of 4 stars). 4 submissions from 4 submitters: Benign (1); Likely benign (3). Last evaluated 2025-03-27.

Conditions:
Hereditary cancer-predisposing syndrome. Also called: Tumor predisposition; Neoplastic Syndromes, Hereditary; Hereditary Cancer Syndrome; Hereditary neoplastic syndrome. Identifiers: Orphanet 140162, MedGen C0027672, MeSH D009386, MONDO:0015356.
Peutz-Jeghers syndrome (PJS). Also called: POLYPOSIS, HAMARTOMATOUS INTESTINAL; POLYPS-AND-SPOTS SYNDROME; Peutz-Jeghers polyposis; Periorificial lentiginosis syndrome. Identifiers: Orphanet 2869, MedGen C0031269, MeSH D010580, MONDO:0008280, OMIM 175200.

Submissions (4):

Myriad Genetics, Inc.
Classification: Benign for Peutz-Jeghers syndrome. Last evaluated: 2025-03-27. Review status: criteria provided, single submitter. Criteria: Myriad Autosomal Dominant, Autosomal Recessive and X-Linked Classification Criteria (2023). Collection method: clinical testing. Allele origin: unknown.
Comment: This variant is considered benign. This variant is a silent/synonymous amino acid change and it is not expected to impact splicing.

Labcorp Genetics (formerly Invitae), Labcorp
Classification: Likely benign for Peutz-Jeghers syndrome. Last evaluated: 2024-07-23. Review status: criteria provided, single submitter. Criteria: Invitae Variant Classification Sherloc (09022015). Collection method: clinical testing. Allele origin: germline.

All of Us Research Program, National Institutes of Health
Classification: Likely benign for Peutz-Jeghers syndrome. Last evaluated: 2023-02-24. Review status: criteria provided, single submitter. Criteria: ACMG Guidelines, 2015. Collection method: clinical testing. Allele origin: germline. Inheritance: Autosomal dominant inheritance. Observed: 1 variant allele, 1 heterozygote.
Comment: This study involves interpretation of variants in research participants for the purpose of population health screening. Participant phenotype was not available at the time of variant classification. Additional details can be found in publication PMID: 35346344, PMCID: PMC8962531

Ambry Genetics
Classification: Likely benign for Hereditary cancer-predisposing syndrome. Last evaluated: 2020-12-25. Review status: criteria provided, single submitter. Criteria: Ambry Variant Classification Scheme 2023. Collection method: clinical testing. Allele origin: germline.

NM_000455.5(STK11):c.825G>T (p.Pro275=)

Gene: STK11 (serine/threonine kinase 11; plus strand). Cytogenetic location: 19p13.3.
Variant type: single nucleotide variant.
Coding change: c.825G>T on transcript NM_000455.5 (MANE Select); coding-DNA position 825, G replaced by T.
Protein change: p.Pro275=; no amino-acid change (proline 275 retained).
Molecular consequence: synonymous variant.
Genome position (GRCh38, 1-based): chr19:1,221,303, G>T. VCF-style: chr19-1221303-G-T. GRCh37 (hg19) VCF-style: chr19-1221302-G-T.
Identifiers: ClinVar variation 1094436 (VCV001094436.13), dbSNP rs202011521, ClinGen allele CA504707260.